The following is an entry in ClinVar:

NM_018249.6(CDK5RAP2):c.4501G>A (p.Val1501Met)

Gene: CDK5RAP2 (CDK5 regulatory subunit associated protein 2; minus strand). Cytogenetic location: 9q33.2.
Variant type: single nucleotide variant.
Coding change: c.4501G>A on transcript NM_018249.6 (MANE Select); coding-DNA position 4501, G replaced by A.
Protein change: p.Val1501Met; replaces valine 1501 with methionine.
Molecular consequence: missense variant. On other transcripts: non-coding transcript variant (5).
Genome position (GRCh38, 1-based): chr9:120,409,230, C>T on the plus strand (G>A on the coding strand, the complement: CDK5RAP2 is on the minus strand). VCF-style: chr9-120409230-C-T. GRCh37 (hg19) VCF-style: chr9-123171508-C-T.
Other names: c.4501G>A, p.Val1501Met (NM_001011649.3); c.3811G>A, p.Val1271Met (NM_001272039.2); c.4402G>A, p.Val1468Met (NM_001410992.1); c.4405G>A, p.Val1469Met (NM_001410993.1); c.4498G>A, p.Val1500Met (NM_001410994.1); short protein forms V1271M, V1468M, V1500M, V1501M, V1469M.
Identifiers: ClinVar variation 1910266 (VCV001910266.5), dbSNP rs1384552768, ClinGen allele CA374715816.
Genomic context (GRCh38, chr9:120,409,230, plus strand): 5'-GCTGGTTGTGTCTCTCCTTCTCGCTGCCTTCTTTCTGCAGCCTTTCATTTTCTTCCTTCA[C>T]GCTGGCATACTCCCGCTGAAGGTGCTCCAGGCTCACGGTCTTCCTGGAGAGGGACTCTCG-3'
Protein context (NP_060719.4, residues 1491-1511): LEHLQREYAS[Val1501Met]KEENERLQKE

ClinVar aggregate classification (germline): Uncertain significance (1 of 4 stars; one submission).

gnomAD v4.1: 30 of 1,613,990 alleles (0.0019%); highest among the groups gnomAD compares: African/African-American, 0.0053%; no homozygotes.

Submission:

Labcorp Genetics (formerly Invitae), Labcorp
Classification: Uncertain significance. Last evaluated: 2023-07-07. Review status: criteria provided, single submitter. Criteria: Invitae Variant Classification Sherloc (09022015). Collection method: clinical testing. Allele origin: germline.
Comment: This sequence change replaces valine, which is neutral and non-polar, with methionine, which is neutral and non-polar, at codon 1501 of the CDK5RAP2 protein (p.Val1501Met). This variant is present in population databases (no rsID available, gnomAD 0.007%). This variant has not been reported in the literature in individuals affected with CDK5RAP2-related conditions. ClinVar contains an entry for this variant (Variation ID: 1910266). Algorithms developed to predict the effect of missense changes on protein structure and function output the following: SIFT: "Not Available"; PolyPhen-2: "Probably Damaging"; Align-GVGD: "Not Available". The methionine amino acid residue is found in multiple mammalian species, which suggests that this missense change does not adversely affect protein function. In summary, the available evidence is currently insufficient to determine the role of this variant in disease. Therefore, it has been classified as a Variant of Uncertain Significance.